The following is an entry in ClinVar:

NM_007294.4(BRCA1):c.2670G>T (p.Gly890=)

Gene: BRCA1 (BRCA1 DNA repair associated; minus strand). Cytogenetic location: 17q21.31.
Variant type: single nucleotide variant.
Coding change: c.2670G>T on transcript NM_007294.4 (MANE Select); coding-DNA position 2670, G replaced by T.
Protein change: p.Gly890=; no amino-acid change (glycine 890 retained).
Molecular consequence: synonymous variant. On other transcripts: intron variant (137).
Genome position (GRCh38, 1-based): chr17:43,092,861, C>A on the plus strand (G>T on the coding strand, the complement: BRCA1 is on the minus strand). VCF-style: chr17-43092861-C-A. GRCh37 (hg19) VCF-style: chr17-41244878-C-A.
Other names: c.2529G>T, p.Gly843= (NM_001407738.1, NM_001407739.1, NM_001407750.1 and 29 more transcripts); c.2526G>T, p.Gly842= (NM_001407740.1, NM_001407741.1, NM_001407742.1 and 20 more transcripts); c.2457G>T, p.Gly819= (NM_001407853.1, NM_001407894.1, NM_001407895.1 and 9 more transcripts); c.2670G>T, p.Gly890= (NM_001407854.1, NM_001407858.1, NM_001407859.1 and 30 more transcripts); c.2667G>T, p.Gly889= (NM_001407860.1, NM_001407861.1, NM_001407587.1 and 22 more transcripts); c.2469G>T, p.Gly823= (NM_001407862.1); c.2547G>T, p.Gly849= (NM_001407863.1, NM_001407919.1, NM_001407937.1 and 19 more transcripts); c.2466G>T, p.Gly822= (NM_001407874.1, NM_001407875.1); and 41 more.
Identifiers: ClinVar variation 184769 (VCV000184769.18), dbSNP rs786201677, ClinGen allele CA001749.

ClinVar aggregate classification (germline): Likely benign. Review status: reviewed by expert panel (3 of 4 stars). 3 submissions from 3 submitters: Likely benign (1). 2 of the submissions do not count toward it. Last evaluated 2017-06-29.

Conditions:
Hereditary breast ovarian cancer syndrome. Also called: Hereditary breast and ovarian cancer syndrome; Hereditary breast and ovarian cancer syndrome (HBOC); BRCA1- and BRCA2-Associated Hereditary Breast and Ovarian Cancer; Breast and ovarian cancer; Hereditary breast and ovarian cancer; Hereditary breast and/or ovarian cancer syndrome. Identifiers: Orphanet 145, MedGen C0677776, MeSH D061325, MONDO:0003582. Disease mechanism: loss of function.
Hereditary cancer-predisposing syndrome. Also called: Hereditary Cancer Syndrome; Hereditary neoplastic syndrome; Tumor predisposition; Neoplastic Syndromes, Hereditary. Identifiers: Orphanet 140162, MedGen C0027672, MeSH D009386, MONDO:0015356.
Breast-ovarian cancer, familial, susceptibility to, 1 (BROVCA1). Also called: OVARIAN CANCER, SUSCEPTIBILITY TO; BRCA1 Hereditary Breast and Ovarian Cancer. Identifiers: Orphanet 145, MedGen C2676676, MONDO:0011450, OMIM 604370. Disease mechanism: loss of function.

Allele frequency attached by ClinVar (database versions not stated): gnomAD exomes below 0.00001; gnomAD 0.00001.
gnomAD v4.1: 3 of 1,613,844 alleles (0.00019%); highest among the groups gnomAD compares: Non-Finnish European, 0.000085%; no homozygotes.

Submissions (3):

Evidence-based Network for the Interpretation of Germline Mutant Alleles (ENIGMA)
Classification: Likely benign for Breast-ovarian cancer, familial, susceptibility to, 1. Last evaluated: 2017-06-29. Review status: reviewed by expert panel. Criteria: ENIGMA BRCA1/2 Classification Criteria (2017-06-29). Collection method: curation. Allele origin: germline.
Comment: Synonymous substitution variant, with low bioinformatic likelihood to result in a splicing aberration (Splicing prior probability 0.02).

Labcorp Genetics (formerly Invitae), Labcorp
Classification: Likely benign for Hereditary breast ovarian cancer syndrome. Last evaluated: 2025-04-04. Review status: criteria provided, single submitter. Criteria: Invitae Variant Classification Sherloc (09022015). Collection method: clinical testing. Allele origin: germline. Not counted in ClinVar's aggregate classification.

Ambry Genetics
Classification: Likely benign for Hereditary cancer-predisposing syndrome. Last evaluated: 2023-03-21. Review status: criteria provided, single submitter. Criteria: Ambry Variant Classification Scheme 2023. Collection method: clinical testing. Allele origin: germline. Not counted in ClinVar's aggregate classification.